The following is an entry in ClinVar:

NM_138694.4(PKHD1):c.6375C>T (p.His2125=)

Gene: PKHD1 (PKHD1 ciliary IPT domain containing fibrocystin/polyductin; minus strand). Cytogenetic location: 6p12.2.
Variant type: single nucleotide variant.
Coding change: c.6375C>T on transcript NM_138694.4 (MANE Select); coding-DNA position 6375, C replaced by T.
Protein change: p.His2125=; no amino-acid change (histidine 2125 retained).
Molecular consequence: synonymous variant.
Genome position (GRCh38, 1-based): chr6:51,911,914, G>A on the plus strand (C>T on the coding strand, the complement: PKHD1 is on the minus strand). VCF-style: chr6-51911914-G-A. GRCh37 (hg19) VCF-style: chr6-51776712-G-A.
Other names: c.6375C>T, p.His2125= (NM_170724.3).
Identifiers: ClinVar variation 3029636 (VCV003029636.2), dbSNP rs2536667879, ClinGen allele CA450415766.

ClinVar aggregate classification (germline): Likely benign (0 of 4 stars; one submission).

Conditions:
PKHD1-related disorder. Also called: PKHD1-related condition.

Allele frequency attached by ClinVar (database versions not stated): gnomAD exomes below 0.00001.
gnomAD v4.1: 3 of 1,611,904 alleles (0.00019%); highest among the groups gnomAD compares: Non-Finnish European, 0.00025%; no homozygotes.

Submission:

PreventionGenetics, part of Exact Sciences
Classification: Likely benign for PKHD1-related condition. Last evaluated: 2021-05-19. Review status: no assertion criteria provided. Collection method: clinical testing. Allele origin: germline.
Comment: This variant is classified as likely benign based on ACMG/AMP sequence variant interpretation guidelines (Richards et al. 2015 PMID: 25741868, with internal and published modifications).